The following is an entry in ClinVar:

ClinVar aggregate classification (germline): Uncertain significance. Review status: criteria provided, multiple submitters, no conflicts (2 of 4 stars). 3 submissions from 3 submitters: Uncertain significance (3). Last evaluated 2025-02-02.

Conditions:
Autosomal recessive nonsyndromic hearing loss 97. Also called: Deafness, autosomal recessive 97. Identifiers: Orphanet 90636, MedGen C4084709, MONDO:0014739, OMIM 616705.
Hereditary cancer-predisposing syndrome. Also called: Neoplastic Syndromes, Hereditary; Tumor predisposition; Hereditary Cancer Syndrome; Hereditary neoplastic syndrome. Identifiers: Orphanet 140162, MedGen C0027672, MeSH D009386, MONDO:0015356.
Renal cell carcinoma. Identifiers: Orphanet 217071, MedGen C0007134, MeSH D002292, MONDO:0005086, HP:0005584.

Allele frequency attached by ClinVar (database versions not stated): TOPMed below 0.00001; gnomAD 0.00001.
gnomAD v4.1: 3 of 1,613,968 alleles (0.00019%); highest among the groups gnomAD compares: Non-Finnish European, 0.00025%; no homozygotes.

Submissions (3):

Labcorp Genetics (formerly Invitae), Labcorp
Classification: Uncertain significance for Renal cell carcinoma. Last evaluated: 2025-02-02. Review status: criteria provided, single submitter. Criteria: Invitae Variant Classification Sherloc (09022015). Collection method: clinical testing. Allele origin: germline.
Comment: This sequence change replaces arginine, which is basic and polar, with threonine, which is neutral and polar, at codon 280 of the MET protein (p.Arg280Thr). This variant is not present in population databases (gnomAD no frequency). This variant has not been reported in the literature in individuals affected with MET-related conditions. ClinVar contains an entry for this variant (Variation ID: 2676530). Invitae Evidence Modeling of protein sequence and biophysical properties (such as structural, functional, and spatial information, amino acid conservation, physicochemical variation, residue mobility, and thermodynamic stability) indicates that this missense variant is expected to disrupt MET protein function with a positive predictive value of 80%. In summary, the available evidence is currently insufficient to determine the role of this variant in disease. Therefore, it has been classified as a Variant of Uncertain Significance.

Ambry Genetics
Classification: Uncertain significance for Hereditary cancer-predisposing syndrome. Last evaluated: 2024-03-04. Review status: criteria provided, single submitter. Criteria: Ambry Variant Classification Scheme 2023. Collection method: clinical testing. Allele origin: germline.
Comment: The p.R280T variant (also known as c.839G>C), located in coding exon 1 of the MET gene, results from a G to C substitution at nucleotide position 839. The arginine at codon 280 is replaced by threonine, an amino acid with similar properties. This amino acid position is highly conserved in available vertebrate species. In addition, this alteration is predicted to be deleterious by in silico analysis. Based on the available evidence, the clinical significance of this alteration remains unclear.

Baylor Genetics
Classification: Uncertain significance for Autosomal recessive nonsyndromic hearing loss 97. Last evaluated: 2023-05-02. Review status: criteria provided, single submitter. Criteria: ACMG Guidelines, 2015. Collection method: clinical testing. Allele origin: unknown.

NM_000245.4(MET):c.839G>C (p.Arg280Thr)

Gene: MET (MET proto-oncogene, receptor tyrosine kinase; plus strand). Cytogenetic location: 7q31.2.
Variant type: single nucleotide variant.
Coding change: c.839G>C on transcript NM_000245.4 (MANE Select); coding-DNA position 839, G replaced by C.
Protein change: p.Arg280Thr; replaces arginine 280 with threonine.
Molecular consequence: missense variant. On other transcripts: intron variant (1).
Genome position (GRCh38, 1-based): chr7:116,699,923, G>C. VCF-style: chr7-116699923-G-C. GRCh37 (hg19) VCF-style: chr7-116339977-G-C.
Other names: c.839G>C, p.Arg280Thr (NM_001127500.3, NM_001324401.3); c.-91+27346G>C (NM_001324402.2); short protein forms R280T.
Identifiers: ClinVar variation 2676530 (VCV002676530.5), dbSNP rs770528254, ClinGen allele CA368969963.
Genomic context (GRCh38, chr7:116,699,923, plus strand): 5'-ACTTCTTGACGGTCCAAAGGGAAACTCTAGATGCTCAGACTTTTCACACAAGAATAATCA[G>C]GTTCTGTTCCATAAACTCTGGATTGCATTCCTACATGGAAATGCCTCTGGAGTGTATTCT-3'
Protein context (NP_000236.2, residues 270-290): DAQTFHTRII[Arg280Thr]FCSINSGLHS